The following is an entry in ClinVar:

ClinVar aggregate classification (germline): Uncertain significance (1 of 4 stars; one submission).

Allele frequency attached by ClinVar (database versions not stated): gnomAD exomes below 0.00001; ExAC 0.00001; gnomAD 0.00001; ESP Exome Variant Server 0.00008.
gnomAD v4.1: 6 of 1,613,888 alleles (0.00037%); highest among the groups gnomAD compares: Non-Finnish European, 0.00051%; no homozygotes.

Submission:

Labcorp Genetics (formerly Invitae), Labcorp
Classification: Uncertain significance. Last evaluated: 2022-09-09. Review status: criteria provided, single submitter. Criteria: Invitae Variant Classification Sherloc (09022015). Collection method: clinical testing. Allele origin: germline.
Comment: Advanced modeling of protein sequence and biophysical properties (such as structural, functional, and spatial information, amino acid conservation, physicochemical variation, residue mobility, and thermodynamic stability) performed at Invitae indicates that this missense variant is expected to disrupt KCNH1 protein function. ClinVar contains an entry for this variant (Variation ID: 1366143). This variant has not been reported in the literature in individuals affected with KCNH1-related conditions. This variant is present in population databases (rs371681646, gnomAD 0.002%). This sequence change replaces isoleucine, which is neutral and non-polar, with valine, which is neutral and non-polar, at codon 298 of the KCNH1 protein (p.Ile298Val). In summary, the available evidence is currently insufficient to determine the role of this variant in disease. Therefore, it has been classified as a Variant of Uncertain Significance.

NM_172362.3(KCNH1):c.892A>G (p.Ile298Val)

Gene: KCNH1 (potassium voltage-gated channel subfamily H member 1; minus strand). Cytogenetic location: 1q32.2.
Variant type: single nucleotide variant.
Coding change: c.892A>G on transcript NM_172362.3 (MANE Select); coding-DNA position 892, A replaced by G.
Protein change: p.Ile298Val; replaces isoleucine 298 with valine.
Molecular consequence: missense variant.
Genome position (GRCh38, 1-based): chr1:211,018,923, T>C on the plus strand (A>G on the coding strand, the complement: KCNH1 is on the minus strand). VCF-style: chr1-211018923-T-C. GRCh37 (hg19) VCF-style: chr1-211192265-T-C.
Other names: c.892A>G, p.Ile298Val (NM_002238.4); short protein forms I298V.
Identifiers: ClinVar variation 1366143 (VCV001366143.6), dbSNP rs371681646, ClinGen allele CA1379953.